The following is an entry in ClinVar:

NM_000407.5(GP1BB):c.170C>T (p.Thr57Ile)

Genes: GP1BB (glycoprotein Ib platelet subunit beta; plus strand), SEPT5-GP1BB (SEPT5-GP1BB readthrough; plus strand). Cytogenetic location: 22q11.21.
Variant type: single nucleotide variant.
Coding change: c.170C>T on transcript NM_000407.5 (MANE Select); coding-DNA position 170, C replaced by T.
Protein change: p.Thr57Ile; replaces threonine 57 with isoleucine.
Molecular consequence: missense variant. On other transcripts: non-coding transcript variant (2).
Genome position (GRCh38, 1-based): chr22:19,724,013, C>T. VCF-style: chr22-19724013-C-T. GRCh37 (hg19) VCF-style: chr22-19711536-C-T.
Other names: short protein forms T57I.
Identifiers: ClinVar variation 2572657 (VCV002572657.1), dbSNP rs2517804734, ClinGen allele CA410676605.

ClinVar aggregate classification (germline): Uncertain significance (1 of 4 stars; one submission).

Conditions:
Bernard Soulier syndrome (BSS). Also called: GLYCOPROTEIN Ib, PLATELET, DEFICIENCY OF; PLATELET GLYCOPROTEIN Ib DEFICIENCY; VON WILLEBRAND FACTOR RECEPTOR DEFICIENCY; Giant platelet syndrome; Hemorrhagiparous thrombocytic dystrophy; Giant platelet disease. Identifiers: Orphanet 274, MedGen C0005129, MeSH D001606, MONDO:0009276, OMIM 231200.

Allele frequency attached by ClinVar (database versions not stated): gnomAD exomes below 0.00001.
gnomAD v4.1: 3 of 1,537,516 alleles (0.0002%); highest among the groups gnomAD compares: Middle Eastern, 0.018%; no homozygotes.

Submission:

ISTH-SSC Genomics in Thrombosis and Hemostasis, KU Leuven, Center for Molecular and Vascular Biology
Classification: Uncertain significance for Bernard Soulier syndrome. Review status: criteria provided, single submitter. Criteria: ACMG Guidelines, 2015. Collection method: clinical testing. Allele origin: germline. Affected: yes. Observed: 3 heterozygotes. Clinical features observed: Macrothrombocytopenia.
Comment: Submitted to the GoldVariant database by Dr Marie-Christine Morel-Kopp; Northern Blood Research Centre, Sydney, Australia